The following is an entry in ClinVar:

NM_206933.4(USH2A):c.9885T>G (p.Cys3295Trp)

Gene: USH2A (usherin; minus strand). Cytogenetic location: 1q41.
Variant type: single nucleotide variant.
Coding change: c.9885T>G on transcript NM_206933.4 (MANE Select); coding-DNA position 9885, T replaced by G.
Protein change: p.Cys3295Trp; replaces cysteine 3295 with tryptophan.
Molecular consequence: missense variant.
Genome position (GRCh38, 1-based): chr1:215,798,980, A>C on the plus strand (T>G on the coding strand, the complement: USH2A is on the minus strand). VCF-style: chr1-215798980-A-C. GRCh37 (hg19) VCF-style: chr1-215972322-A-C.
Other names: NM_206933.4(USH2A):c.9885T>G; p.Cys3295Trp; short protein forms C3295W.
Identifiers: ClinVar variation 861026 (VCV000861026.14), dbSNP rs780036975, ClinGen allele CA1394188.

ClinVar aggregate classification (germline): Uncertain significance. Review status: reviewed by expert panel (3 of 4 stars). 7 submissions from 7 submitters: Uncertain significance (1). 6 of the submissions do not count toward it. Last evaluated 2025-06-18.

Conditions:
Usher syndrome type 2A. Also called: USHER SYNDROME, TYPE IIA; RETINAL DISEASE IN USHER SYNDROME TYPE IIA, MODIFIER OF. Identifiers: Orphanet 231178, Orphanet 886, MedGen C1848634, MONDO:0010169, OMIM 276901.
Usher syndrome. Also called: Usher Syndromes; Usher's syndrome. Identifiers: MONDO:0019501, Orphanet 886, MedGen CN469326, MeSH D052245. Disease mechanism: loss of function.
USH2A-related disorder. Also called: USH2A-related condition; USH2A-related disorders. Identifiers: MedGen CN239332.

Allele frequency attached by ClinVar (database versions not stated): gnomAD exomes below 0.00001; ExAC 0.00001; TOPMed 0.00002.
gnomAD v4.1: 3 of 1,614,000 alleles (0.00019%); highest among the groups gnomAD compares: African/African-American, 0.004%; no homozygotes.

Submissions (7):

ClinGen Hearing Loss Variant Curation Expert Panel
Classification: Uncertain significance for Usher syndrome. Last evaluated: 2025-06-18. Review status: reviewed by expert panel. Criteria: Clingen Hl Acmg Specifications Cdh23 Coch Gjb2 Kcnq4 Myo6 Myo7a Slc26a4 Tecta Ush2a V2. Collection method: curation. Allele origin: germline. Inheritance: Autosomal recessive inheritance.
Comment: The NM_206933.2:c.9885T>G variant in the USH2A gene is a missense variant predicted to cause the substitution of cysteine by tryptophan at amino acid 3295 (p.Cys3295Trp). The minor allele frequency of this variant in gnomAD v.4.1.0 is 0.004004% (3/74928) in the African American population meeting PM2_Supporting. The REVEL computational prediction analysis tool produced a score of 0.569, which doesn’t meet either of the thresholds necessary to apply PP3/BP4. This variant has been detected with another pathogenic variant in one patient with Usher syndrome (PM3_Supporting; PMIDs: 30796641, 37446072). The phenotype observed was highly specific for Usher syndrome in the proband (PP4, PMIDs: 30796641, 37446072). In summary, this variant meets criteria to be classified as variant of uncertain significance for autosomal recessive Usher syndrome based on the ACMG/AMP criteria applied as specified by the ClinGen Hearing Loss Expert Panel: PM3_Supporting, PM2_Supporting, PP4 (ClinGen Hearing Loss VCEP specifications version 2; 6/18/2025).

PreventionGenetics, part of Exact Sciences
Classification: Uncertain significance for USH2A-related condition. Last evaluated: 2026-06-08. Review status: criteria provided, single submitter. Criteria: ACMG Guidelines, 2015. Collection method: clinical testing. Allele origin: germline. Not counted in ClinVar's aggregate classification.
Comment: The USH2A c.9885T>G variant is predicted to result in the amino acid substitution p.Cys3295Trp. This variant has been reported, along with a loss of function variant in the gene, in an individual with Usher syndrome (Supplemental table, Sather et al. 2023. PubMed ID: 37446072). This variant is reported in 0.0062% of alleles in individuals of African descent in gnomAD. This variant has been classified as a variant of uncertain significance by the ClinGen Hearing Loss Variant Curation Expert Panel (Variation ID: 861026). At this time, the clinical significance of this variant is uncertain due to the absence of conclusive functional and genetic evidence.

Myriad Genetics, Inc.
Classification: Uncertain significance for USH2A-related disorder. Last evaluated: 2026-04-15. Review status: criteria provided, single submitter. Criteria: Myriad Autosomal Dominant, Autosomal Recessive and X-Linked Classification Criteria (2023). Collection method: clinical testing. Allele origin: unknown. Not counted in ClinVar's aggregate classification.
Comment: NM_206933.2(USH2A):c.9885T>G(C3295W) is a missense variant classified as a variant of uncertain significance in the context of USH2A-related disorders. C3295W has been observed in a case with relevant disease (PMID: 30796641, 37446072). Relevant functional assessments of this variant are not available in the literature. C3295W has been observed in referenced population frequency databases. In summary, there is insufficient evidence to classify NM_206933.2(USH2A):c.9885T>G(C3295W) as pathogenic or benign. Please note: this variant was assessed in the context of healthy population screening.

Labcorp Genetics (formerly Invitae), Labcorp
Classification: Pathogenic. Last evaluated: 2024-12-10. Review status: criteria provided, single submitter. Criteria: Invitae Variant Classification Sherloc (09022015). Collection method: clinical testing. Allele origin: germline. Not counted in ClinVar's aggregate classification.
Comment: This sequence change replaces cysteine, which is neutral and slightly polar, with tryptophan, which is neutral and slightly polar, at codon 3295 of the USH2A protein (p.Cys3295Trp). This variant is present in population databases (rs780036975, gnomAD 0.007%). This missense change has been observed in individual(s) with retinitis pigmentosa and/or USH2A-related conditions (internal data). In at least one individual the data is consistent with being in trans (on the opposite chromosome) from a pathogenic variant. ClinVar contains an entry for this variant (Variation ID: 861026). Invitae Evidence Modeling of protein sequence and biophysical properties (such as structural, functional, and spatial information, amino acid conservation, physicochemical variation, residue mobility, and thermodynamic stability) indicates that this missense variant is expected to disrupt USH2A protein function with a positive predictive value of 95%. This variant disrupts the p.Cys3295 amino acid residue in USH2A. Other variant(s) that disrupt this residue have been observed in individuals with USH2A-related conditions (PMID: 30902645; internal data), which suggests that this may be a clinically significant amino acid residue. For these reasons, this variant has been classified as Pathogenic.

Genome-Nilou Lab
Classification: Likely pathogenic for Usher syndrome type 2A. Last evaluated: 2023-11-04. Review status: criteria provided, single submitter. Criteria: ACMG Guidelines, 2015. Collection method: clinical testing. Allele origin: germline. Affected: no. Not counted in ClinVar's aggregate classification.

Blueprint Genetics
Classification: Likely pathogenic for USH2A-related disorders. Last evaluated: 2023-02-15. Review status: criteria provided, single submitter. Criteria: ACMG Guidelines, 2015. Collection method: clinical testing. Allele origin: germline. Affected: yes. Observed: 2 variant alleles. Not counted in ClinVar's aggregate classification.

GeneDx
Classification: Likely pathogenic. Last evaluated: 2020-05-08. Review status: criteria provided, single submitter. Criteria: GeneDx Variant Classification Process June 2021. Collection method: clinical testing. Allele origin: germline. Affected: yes. Not counted in ClinVar's aggregate classification.
Comment: Reported in association with late-onset Usher syndrome (Vezinaw et al., 2019); Not observed at a significant frequency in large population cohorts (Lek et al., 2016); In silico analysis, which includes protein predictors and evolutionary conservation, supports a deleterious effect; This variant is associated with the following publications: (PMID: 30796641)

Literature cited by the submitters: PubMed 30796641 (cited by Myriad Genetics, Inc.); PubMed 37446072 (cited by Myriad Genetics, Inc.); PubMed 30902645 (cited by Labcorp Genetics (formerly Invitae), Labcorp).